The following is an entry in ClinVar:

NM_000433.4(NCF2):c.409T>C (p.Trp137Arg)

Gene: NCF2 (neutrophil cytosolic factor 2; minus strand). Cytogenetic location: 1q25.3.
Variant type: single nucleotide variant.
Coding change: c.409T>C on transcript NM_000433.4 (MANE Select); coding-DNA position 409, T replaced by C.
Protein change: p.Trp137Arg; replaces tryptophan 137 with arginine.
Molecular consequence: missense variant. On other transcripts: intron variant (2).
Genome position (GRCh38, 1-based): chr1:183,574,579, A>G on the plus strand (T>C on the coding strand, the complement: NCF2 is on the minus strand). VCF-style: chr1-183574579-A-G. GRCh37 (hg19) VCF-style: chr1-183543714-A-G.
Other names: c.409T>C, p.Trp137Arg (NM_001127651.3, NM_001410895.1); c.366+3020T>C (NM_001190789.2); c.367-1287T>C (NM_001190794.2); short protein forms W137R.
Identifiers: ClinVar variation 3664512 (VCV003664512.2).

ClinVar aggregate classification (germline): Uncertain significance (1 of 4 stars; one submission).

Conditions:
Granulomatous disease, chronic, autosomal recessive, cytochrome b-positive, type 2. Also called: Chronic Granulomatous Disease, Autosomal Recessive, Cytochrome b-Positive, Type II; CGD, AUTOSOMAL RECESSIVE CYTOCHROME b-POSITIVE, TYPE II; GRANULOMATOUS DISEASE, CHRONIC, DUE TO NCF2 DEFICIENCY; GRANULOMATOUS DISEASE, CHRONIC, AUTOSOMAL RECESSIVE, 2; Chronic granulomatous disease due to deficiency of NCF-2. Identifiers: Orphanet 379, MedGen C1856245, MONDO:0009310, OMIM 233710.

Submission:

Labcorp Genetics (formerly Invitae), Labcorp
Classification: Uncertain significance for Granulomatous disease, chronic, autosomal recessive, cytochrome b-positive, type 2. Last evaluated: 2024-09-04. Review status: criteria provided, single submitter. Criteria: Invitae Variant Classification Sherloc (09022015). Collection method: clinical testing. Allele origin: germline.
Comment: This sequence change replaces tryptophan, which is neutral and slightly polar, with arginine, which is basic and polar, at codon 137 of the NCF2 protein (p.Trp137Arg). This variant is not present in population databases (gnomAD no frequency). This missense change has been observed in individual(s) with chronic granulomatous disease (PMID: 25937994). Invitae Evidence Modeling of protein sequence and biophysical properties (such as structural, functional, and spatial information, amino acid conservation, physicochemical variation, residue mobility, and thermodynamic stability) has been performed for this missense variant. However, the output from this modeling did not meet the statistical confidence thresholds required to predict the impact of this variant on NCF2 protein function. In summary, the available evidence is currently insufficient to determine the role of this variant in disease. Therefore, it has been classified as a Variant of Uncertain Significance.

Literature cited by the submitters: PubMed 25937994.